The following is an entry in ClinVar:

NM_031935.3(HMCN1):c.2075A>G (p.Gln692Arg)

Gene: HMCN1 (hemicentin 1; plus strand). Cytogenetic location: 1q31.1.
Variant type: single nucleotide variant.
Coding change: c.2075A>G on transcript NM_031935.3 (MANE Select); coding-DNA position 2075, A replaced by G.
Protein change: p.Gln692Arg; replaces glutamine 692 with arginine.
Molecular consequence: missense variant.
Genome position (GRCh38, 1-based): chr1:185,963,872, A>G. VCF-style: chr1-185963872-A-G. GRCh37 (hg19) VCF-style: chr1-185933004-A-G.
Other names: short protein forms Q692R.
Identifiers: ClinVar variation 2043732 (VCV002043732.4), dbSNP rs998676804, ClinGen allele CA33458199.
Genomic context (GRCh38, chr1:185,963,872, plus strand): 5'-CTCCCAAAGATGCAGGGATCTATGGTTGCCTAGCAAGTAATTCAGCTGGAACAGATAAAC[A>G]GAATTCTACTCTCAGATACATTGGCAAGTATAATCACTTTAAAAGGCAATTAAAATAGGA-3'
Protein context (NP_114141.2, residues 682-702): LASNSAGTDK[Gln692Arg]NSTLRYIEAP

ClinVar aggregate classification (germline): Uncertain significance (1 of 4 stars; one submission).

Allele frequency attached by ClinVar (database versions not stated): gnomAD exomes below 0.00001.
gnomAD v4.1: 5 of 1,612,326 alleles (0.00031%); highest among the groups gnomAD compares: Non-Finnish European, 0.00042%; no homozygotes.

Submission:

Labcorp Genetics (formerly Invitae), Labcorp
Classification: Uncertain significance. Last evaluated: 2022-04-12. Review status: criteria provided, single submitter. Criteria: Invitae Variant Classification Sherloc (09022015). Collection method: clinical testing. Allele origin: germline.
Comment: This variant is not present in population databases (gnomAD no frequency). In summary, the available evidence is currently insufficient to determine the role of this variant in disease. Therefore, it has been classified as a Variant of Uncertain Significance. Algorithms developed to predict the effect of missense changes on protein structure and function are either unavailable or do not agree on the potential impact of this missense change (SIFT: "Deleterious"; PolyPhen-2: "Probably Damaging"; Align-GVGD: "Class C0"). This variant has not been reported in the literature in individuals affected with HMCN1-related conditions. This sequence change replaces glutamine, which is neutral and polar, with arginine, which is basic and polar, at codon 692 of the HMCN1 protein (p.Gln692Arg).